The following is an entry in ClinVar:

NM_001128225.3(SLC39A13):c.634C>T (p.Arg212Trp)

Gene: SLC39A13 (solute carrier family 39 member 13; plus strand). Cytogenetic location: 11p11.2.
Variant type: single nucleotide variant.
Coding change: c.634C>T on transcript NM_001128225.3 (MANE Select); coding-DNA position 634, C replaced by T.
Protein change: p.Arg212Trp; replaces arginine 212 with tryptophan.
Molecular consequence: missense variant. On other transcripts: non-coding transcript variant (1).
Genome position (GRCh38, 1-based): chr11:47,413,496, C>T. VCF-style: chr11-47413496-C-T. GRCh37 (hg19) VCF-style: chr11-47435047-C-T.
Other names: p.Arg212Trp; c.634C>T (NM_152264.4); c.634C>T, p.Arg212Trp (NM_001330245.2, NM_152264.5); short protein forms R212W.
Identifiers: ClinVar variation 2038126 (VCV002038126.4), dbSNP rs1242800592, ClinGen allele CA380312536.
Genomic context (GRCh38, chr11:47,413,496, plus strand): 5'-CTCAATGGAGGCCACTGTCTGGCCCAGCCGGCTGCAGAGCCCGGCCTCGGTGCCGTGGTC[C>T]GGAGCATCAAAGTGAGTGGCCTGCTCAGGGCCCCTGCAGCCGTACTGCCCTGAGTGGCCA-3'
Protein context (NP_001121697.2, residues 202-222): AAEPGLGAVV[Arg212Trp]SIKVSGYLNL

ClinVar aggregate classification (germline): Uncertain significance. Review status: criteria provided, multiple submitters, no conflicts (2 of 4 stars). 2 submissions from 2 submitters: Uncertain significance (2). Last evaluated 2023-07-14.

Conditions:
Ehlers-Danlos syndrome, spondylodysplastic type, 3. Also called: Ehlers-Danlos syndrome, spondylocheirodysplastic type. Identifiers: Orphanet 157965, MedGen C2676510, MONDO:0012873, OMIM 612350.

Submissions (2):

Mayo Clinic Laboratories, Mayo Clinic
Classification: Uncertain significance. Last evaluated: 2023-07-14. Review status: criteria provided, single submitter. Criteria: ACMG Guidelines, 2015. Collection method: clinical testing. Allele origin: germline. Observed: 1 variant allele.

Labcorp Genetics (formerly Invitae), Labcorp
Classification: Uncertain significance for Ehlers-Danlos syndrome, spondylodysplastic type, 3. Last evaluated: 2022-06-05. Review status: criteria provided, single submitter. Criteria: Invitae Variant Classification Sherloc (09022015). Collection method: clinical testing. Allele origin: germline.
Comment: In summary, the available evidence is currently insufficient to determine the role of this variant in disease. Therefore, it has been classified as a Variant of Uncertain Significance. Algorithms developed to predict the effect of missense changes on protein structure and function are either unavailable or do not agree on the potential impact of this missense change (SIFT: "Deleterious"; PolyPhen-2: "Possibly Damaging"; Align-GVGD: "Class C0"). This variant has not been reported in the literature in individuals affected with SLC39A13-related conditions. This variant is present in population databases (no rsID available, gnomAD 0.007%). This sequence change replaces arginine, which is basic and polar, with tryptophan, which is neutral and slightly polar, at codon 212 of the SLC39A13 protein (p.Arg212Trp).